The following is an entry in ClinVar:

ClinVar aggregate classification (germline): Uncertain significance (1 of 4 stars; one submission).

Conditions:
Peroxisome biogenesis disorder 3A (Zellweger). Also called: Peroxisome biogenesis disorder 3A; PEROXISOMAL BIOGENESIS DISORDER 3A (ZELLWEGER). Identifiers: Orphanet 912, MedGen C3553929, MONDO:0013927, OMIM 614859.

Submission:

Labcorp Genetics (formerly Invitae), Labcorp
Classification: Uncertain significance for Peroxisome biogenesis disorder 3A (Zellweger). Last evaluated: 2022-05-27. Review status: criteria provided, single submitter. Criteria: Invitae Variant Classification Sherloc (09022015). Collection method: clinical testing. Allele origin: germline.
Comment: In summary, the available evidence is currently insufficient to determine the role of this variant in disease. Therefore, it has been classified as a Variant of Uncertain Significance. Algorithms developed to predict the effect of missense changes on protein structure and function are either unavailable or do not agree on the potential impact of this missense change (SIFT: "Tolerated"; PolyPhen-2: "Probably Damaging"; Align-GVGD: "Class C0"). This variant has not been reported in the literature in individuals affected with PEX12-related conditions. This variant is not present in population databases (gnomAD no frequency). This sequence change replaces histidine, which is basic and polar, with arginine, which is basic and polar, at codon 39 of the PEX12 protein (p.His39Arg).

NM_000286.3(PEX12):c.116A>G (p.His39Arg)

Gene: PEX12 (peroxisomal biogenesis factor 12; minus strand). Cytogenetic location: 17q12.
Variant type: single nucleotide variant.
Coding change: c.116A>G on transcript NM_000286.3 (MANE Select); coding-DNA position 116, A replaced by G.
Protein change: p.His39Arg; replaces histidine 39 with arginine.
Molecular consequence: missense variant.
Genome position (GRCh38, 1-based): chr17:35,577,906, T>C on the plus strand (A>G on the coding strand, the complement: PEX12 is on the minus strand). VCF-style: chr17-35577906-T-C. GRCh37 (hg19) VCF-style: chr17-33904925-T-C.
Other names: short protein forms H39R.
Identifiers: ClinVar variation 2185952 (VCV002185952.4), dbSNP rs780677964, ClinGen allele CA399138840.
Genomic context (GRCh38, chr17:35,577,906, plus strand): 5'-TGTTTTTTACCCAGTTGTCCCTAAAACCTTTCCAAGAATTAATACCTTACCTTGACCACA[T>C]GCTGAAGAGCGGGTCTCACTGCTGTCATTAAACTGTCCTGTGCTACCACCTCAAAGATGG-3'
Protein context (NP_000277.1, residues 29-49): LMTAVRPALQ[His39Arg]VVKVLAESNP